The following is an entry in ClinVar:

NM_000271.5(NPC1):c.85G>T (p.Gly29Ter)

Gene: NPC1 (NPC intracellular cholesterol transporter 1; minus strand). Cytogenetic location: 18q11.2.
Variant type: single nucleotide variant.
Coding change: c.85G>T on transcript NM_000271.5 (MANE Select); coding-DNA position 85, G replaced by T.
Protein change: p.Gly29Ter; replaces glycine 29 with a stop codon.
Molecular consequence: nonsense.
Genome position (GRCh38, 1-based): chr18:23,573,547, C>A on the plus strand (G>T on the coding strand, the complement: NPC1 is on the minus strand). VCF-style: chr18-23573547-C-A. GRCh37 (hg19) VCF-style: chr18-21153511-C-A.
Other names: short protein forms G29*.
Identifiers: ClinVar variation 1070840 (VCV001070840.7), dbSNP rs2145552346, ClinGen allele CA402041383.

ClinVar aggregate classification (germline): Pathogenic (1 of 4 stars; one submission).

Conditions:
Niemann-Pick disease, type C1. Also called: NEUROVISCERAL STORAGE DISEASE WITH VERTICAL SUPRANUCLEAR OPHTHALMOPLEGIA; NIEMANN-PICK DISEASE WITH CHOLESTEROL ESTERIFICATION BLOCK; NIEMANN-PICK DISEASE WITHOUT SPHINGOMYELINASE DEFICIENCY; NIEMANN-PICK DISEASE, CHRONIC NEURONOPATHIC FORM; NIEMANN-PICK DISEASE, VARIANT TYPE C1. Identifiers: Orphanet 646, MedGen C3179455, MONDO:0009757, OMIM 257220.

Submission:

Labcorp Genetics (formerly Invitae), Labcorp
Classification: Pathogenic for Niemann-Pick disease, type C1. Last evaluated: 2020-10-26. Review status: criteria provided, single submitter. Criteria: Invitae Variant Classification Sherloc (09022015). Collection method: clinical testing. Allele origin: germline.
Comment: For these reasons, this variant has been classified as Pathogenic. This variant has not been reported in the literature in individuals with NPC1-related conditions. This variant is not present in population databases (ExAC no frequency). This sequence change creates a premature translational stop signal (p.Gly29*) in the NPC1 gene. It is expected to result in an absent or disrupted protein product. Loss-of-function variants in NPC1 are known to be pathogenic (PMID: 9211850).

Literature cited by the submitters: PubMed 9211850.